The following is an entry in ClinVar:

ClinVar aggregate classification (germline): Benign/Likely benign. Review status: criteria provided, multiple submitters, no conflicts (2 of 4 stars). 2 submissions from 2 submitters: Benign (1); Likely benign (1). Last evaluated 2026-05-06.

Conditions:
Colorectal cancer, hereditary nonpolyposis, type 7. Identifiers: Orphanet 144, MedGen C1858380, MONDO:0013725, OMIM 614385.

Allele frequency attached by ClinVar (database versions not stated): gnomAD exomes below 0.00001; gnomAD 0.00001.
gnomAD v4.1: 6 of 1,613,944 alleles (0.00037%); highest among the groups gnomAD compares: Middle Eastern, 0.033%; no homozygotes.

Submissions (2):

Myriad Genetics, Inc.
Classification: Benign for Colorectal cancer, hereditary nonpolyposis, type 7. Last evaluated: 2026-05-06. Review status: criteria provided, single submitter. Criteria: Myriad Autosomal Dominant, Autosomal Recessive and X-Linked Classification Criteria (2023). Collection method: clinical testing. Allele origin: unknown.
Comment: This variant is considered benign. This variant is a silent/synonymous amino acid change and it is not expected to impact splicing.

Ambry Genetics
Classification: Likely benign. Last evaluated: 2021-01-19. Review status: criteria provided, single submitter. Criteria: Ambry Variant Classification Scheme 2023. Collection method: clinical testing. Allele origin: germline.

NM_001040108.2(MLH3):c.3762A>G (p.Leu1254=)

Gene: MLH3 (mutL homolog 3; minus strand). Cytogenetic location: 14q24.3.
Variant type: single nucleotide variant.
Coding change: c.3762A>G on transcript NM_001040108.2 (MANE Select); coding-DNA position 3762, A replaced by G.
Protein change: p.Leu1254=; no amino-acid change (leucine 1254 retained).
Molecular consequence: synonymous variant.
Genome position (GRCh38, 1-based): chr14:75,032,133, T>C on the plus strand (A>G on the coding strand, the complement: MLH3 is on the minus strand). VCF-style: chr14-75032133-T-C. GRCh37 (hg19) VCF-style: chr14-75498836-T-C.
Other names: c.3690A>G, p.Leu1230= (NM_014381.3).
Identifiers: ClinVar variation 1734685 (VCV001734685.3), dbSNP rs1891090399, ClinGen allele CA487176035.